The following is an entry in ClinVar:

NM_020680.4(SCYL1):c.560C>T (p.Pro187Leu)

Gene: SCYL1 (SCY1 like pseudokinase 1; plus strand). Cytogenetic location: 11q13.1.
Variant type: single nucleotide variant.
Coding change: c.560C>T on transcript NM_020680.4 (MANE Select); coding-DNA position 560, C replaced by T.
Protein change: p.Pro187Leu; replaces proline 187 with leucine.
Molecular consequence: missense variant.
Genome position (GRCh38, 1-based): chr11:65,526,308, C>T. VCF-style: chr11-65526308-C-T. GRCh37 (hg19) VCF-style: chr11-65293779-C-T.
Other names: p.Pro187Leu; c.560C>T, p.Pro187Leu (NM_001048218.2, NM_001411022.1); short protein forms P187L.
Identifiers: ClinVar variation 2683153 (VCV002683153.3), dbSNP rs367912230, ClinGen allele CA223997468.
Genomic context (GRCh38, chr11:65,526,308, plus strand): 5'-AGGGCAACGGTGGGGGACCTCCCCGCAAGGGGATCCCCGAGCTTGAGCAGTATGACCCCC[C>T]GGAGTTGGCTGACAGCAGTGGCAGAGTGGTCAGAGAGAAGTGGTGGGTGACTGGGGGCAG-3'
Protein context (NP_065731.3, residues 177-197): GIPELEQYDP[Pro187Leu]ELADSSGRVV

ClinVar aggregate classification (germline): Uncertain significance. Review status: criteria provided, multiple submitters, no conflicts (2 of 4 stars). 3 submissions from 3 submitters: Uncertain significance (3). Last evaluated 2025-12-11.

Allele frequency attached by ClinVar (database versions not stated): gnomAD 0.00005; TOPMed 0.00005.
gnomAD v4.1: 40 of 1,608,610 alleles (0.0025%); highest among the groups gnomAD compares: East Asian, 0.013%; 2 homozygotes.

Submissions (3):

Labcorp Genetics (formerly Invitae), Labcorp
Classification: Uncertain significance. Last evaluated: 2025-12-11. Review status: criteria provided, single submitter. Criteria: Invitae Variant Classification Sherloc (09022015). Collection method: clinical testing. Allele origin: germline.
Comment: This sequence change replaces proline, which is neutral and non-polar, with leucine, which is neutral and non-polar, at codon 187 of the SCYL1 protein (p.Pro187Leu). This variant is present in population databases (rs367912230, gnomAD 0.03%). This variant has not been reported in the literature in individuals affected with SCYL1-related conditions. ClinVar contains an entry for this variant (Variation ID: 2683153). An algorithm developed to predict the effect of missense changes on protein structure and function (PolyPhen-2) suggests that this variant is likely to be disruptive. In summary, the available evidence is currently insufficient to determine the role of this variant in disease. Therefore, it has been classified as a Variant of Uncertain Significance.

Blueprint Genetics
Classification: Uncertain significance. Last evaluated: 2024-10-22. Review status: criteria provided, single submitter. Criteria: ACMG Guidelines, 2015. Collection method: clinical testing. Allele origin: germline.

Mayo Clinic Laboratories, Mayo Clinic
Classification: Uncertain significance. Last evaluated: 2023-05-01. Review status: criteria provided, single submitter. Criteria: ACMG Guidelines, 2015. Collection method: clinical testing. Allele origin: germline. Observed: 1 variant allele.
Comment: PP3